The following is an entry in ClinVar:

ClinVar aggregate classification (germline): Uncertain significance. Review status: criteria provided, multiple submitters, no conflicts (2 of 4 stars). 2 submissions from 2 submitters: Uncertain significance (2). Last evaluated 2025-03-03.

Conditions:
Inborn genetic diseases. Identifiers: MedGen C0950123, MeSH D030342.

Allele frequency attached by ClinVar (database versions not stated): gnomAD exomes 0.00004; TOPMed 0.00005; gnomAD 0.00007; 1000 Genomes Project 0.00020; ExAC 0.00020; ESP Exome Variant Server 0.00023; 1000 Genomes Project 30x 0.00062.
gnomAD v4.1: 72 of 1,609,334 alleles (0.0045%); highest among the groups gnomAD compares: South Asian, 0.041%; no homozygotes.

Submissions (2):

Labcorp Genetics (formerly Invitae), Labcorp
Classification: Uncertain significance. Last evaluated: 2025-03-03. Review status: criteria provided, single submitter. Criteria: Invitae Variant Classification Sherloc (09022015). Collection method: clinical testing. Allele origin: germline.
Comment: This sequence change replaces arginine, which is basic and polar, with glutamine, which is neutral and polar, at codon 453 of the ANKH protein (p.Arg453Gln). This variant is present in population databases (rs374804595, gnomAD 0.06%), and has an allele count higher than expected for a pathogenic variant. This variant has not been reported in the literature in individuals affected with ANKH-related conditions. ClinVar contains an entry for this variant (Variation ID: 2077927). An algorithm developed to predict the effect of missense changes on protein structure and function (PolyPhen-2) suggests that this variant is likely to be disruptive. In summary, the available evidence is currently insufficient to determine the role of this variant in disease. Therefore, it has been classified as a Variant of Uncertain Significance.

Ambry Genetics
Classification: Uncertain significance for Inborn genetic diseases. Last evaluated: 2023-07-19. Review status: criteria provided, single submitter. Criteria: Ambry Variant Classification Scheme 2023. Collection method: clinical testing. Allele origin: germline.

NM_054027.6(ANKH):c.1358G>A (p.Arg453Gln)

Genes: ANKH (ANKH inorganic pyrophosphate transport regulator; minus strand), OTULIN (OTU deubiquitinase with linear linkage specificity; plus strand), LOC100130744 (uncharacterized LOC100130744; plus strand). Cytogenetic location: 5p15.2.
Variant type: single nucleotide variant.
Coding change: c.1358G>A on transcript NM_054027.6 (MANE Select); coding-DNA position 1358, G replaced by A.
Protein change: p.Arg453Gln; replaces arginine 453 with glutamine.
Molecular consequence: missense variant. On other transcripts: non-coding transcript variant (1).
Genome position (GRCh38, 1-based): chr5:14,712,881, C>T on the plus strand (G>A on the coding strand, the complement: ANKH is on the minus strand). VCF-style: chr5-14712881-C-T. GRCh37 (hg19) VCF-style: chr5-14712990-C-T.
Other names: short protein forms R453Q.
Identifiers: ClinVar variation 2077927 (VCV002077927.6), dbSNP rs374804595, ClinGen allele CA3208830.